The following is an entry in ClinVar:

ClinVar aggregate classification (germline): Benign. Review status: criteria provided, multiple submitters, no conflicts (2 of 4 stars). 6 submissions from 6 submitters: Benign (6). Last evaluated 2026-02-03.

Conditions:
Autosomal dominant nonsyndromic hearing loss 5. Identifiers: Orphanet 90635, MedGen C1832932, MONDO:0010973, OMIM 600994.

Allele frequency attached by ClinVar (database versions not stated): ESP Exome Variant Server 0.16569; TOPMed 0.17946; 1000 Genomes Project 30x 0.25359; 1000 Genomes Project 0.25919.
gnomAD v4.1: 277,262 of 1,607,152 alleles (17%); highest among the groups gnomAD compares: East Asian, 44%; 27,765 homozygotes.

Submissions (6):

Labcorp Genetics (formerly Invitae), Labcorp
Classification: Benign. Last evaluated: 2026-02-03. Review status: criteria provided, single submitter. Criteria: Invitae Variant Classification Sherloc (09022015). Collection method: clinical testing. Allele origin: germline.

Genome-Nilou Lab
Classification: Benign for Autosomal dominant nonsyndromic hearing loss 5. Last evaluated: 2021-07-30. Review status: criteria provided, single submitter. Criteria: ACMG Guidelines, 2015. Collection method: clinical testing. Allele origin: germline. Affected: no.

Mayo Clinic Laboratories, Mayo Clinic
Classification: Benign. Last evaluated: 2020-12-09. Review status: criteria provided, single submitter. Criteria: ACMG Guidelines, 2015. Collection method: clinical testing. Allele origin: germline. Observed: 45 variant alleles.

Illumina Laboratory Services, Illumina
Classification: Benign for Autosomal dominant nonsyndromic hearing loss 5. Last evaluated: 2018-01-12. Review status: criteria provided, single submitter. Criteria: ICSL Variant Classification Criteria 13 December 2019. Collection method: clinical testing. Allele origin: germline.
Comment: This variant was observed in the ICSL laboratory as part of a predisposition screen in an ostensibly healthy population. It had not been previously curated by ICSL or reported in the Human Gene Mutation Database (HGMD: prior to June 1st, 2018), and was therefore a candidate for classification through an automated scoring system. Utilizing variant allele frequency, disease prevalence and penetrance estimates, and inheritance mode, an automated score was calculated to assess if this variant is too frequent to cause the disease. Based on the score and internal cut-off values, a variant classified as benign is not then subjected to further curation. The score for this variant resulted in a classification of benign for this disease.

GeneDx
Classification: Benign. Last evaluated: 2017-05-09. Review status: criteria provided, single submitter. Criteria: GeneDx Variant Classification (06012015). Collection method: clinical testing. Allele origin: germline. Affected: yes.
Comment: This variant is considered likely benign or benign based on one or more of the following criteria: it is a conservative change, it occurs at a poorly conserved position in the protein, it is predicted to be benign by multiple in silico algorithms, and/or has population frequency not consistent with disease.

Laboratory for Molecular Medicine, Mass General Brigham Personalized Medicine
Classification: Benign. Last evaluated: 2012-05-07. Review status: criteria provided, single submitter. Criteria: LMM Criteria. Collection method: clinical testing. Allele origin: germline. Observed: 522 variant alleles.
Comment: Pro142Thr in Exon 04 of DFNA5: This variant is not expected to have clinical sig nificance because it has been identified in 21.1% (788/3738) of African American chromosomes from a broad population by the NHLBI Exome Sequencing Project (dbSNP rs754554).

NM_001127453.2(GSDME):c.424C>A (p.Pro142Thr)

Gene: GSDME (gasdermin E; minus strand). Cytogenetic location: 7p15.3.
Variant type: single nucleotide variant.
Coding change: c.424C>A on transcript NM_001127453.2 (MANE Select); coding-DNA position 424, C replaced by A.
Protein change: p.Pro142Thr; replaces proline 142 with threonine.
Molecular consequence: missense variant. On other transcripts: 5 prime UTR variant (1).
Genome position (GRCh38, 1-based): chr7:24,719,199, G>T on the plus strand (C>A on the coding strand, the complement: GSDME is on the minus strand). VCF-style: chr7-24719199-G-T. GRCh37 (hg19) VCF-style: chr7-24758818-G-T.
Other names: c.-69C>A (NM_001127454.2); c.424C>A, p.Pro142Thr (NM_004403.3); short protein forms P142T.
Identifiers: ClinVar variation 44843 (VCV000044843.19), dbSNP rs754554, ClinGen allele CA135162.